The following is an entry in ClinVar:

ClinVar aggregate classification (germline): Pathogenic. Review status: criteria provided, multiple submitters, no conflicts (2 of 4 stars). 4 submissions from 4 submitters: Pathogenic (4). Last evaluated 2026-08-10.

Conditions:
Autosomal recessive nonsyndromic hearing loss 66 (DFNB66). Also called: Deafness, autosomal recessive 66. Identifiers: Orphanet 90636, MedGen C1857750, MONDO:0012442, OMIM 610212.
Isolated neonatal sclerosing cholangitis (NSC). Also called: Sclerosing cholangitis, neonatal. Identifiers: Orphanet 480556, MedGen C4479344, MONDO:0018816, OMIM 617394.
Nephronophthisis 19 (NPHP19). Identifiers: Orphanet 84081, MedGen C4015542, MONDO:0014537, OMIM 616217.
DCDC2-related disorder. Also called: DCDC2-related condition.

Submissions (4):

GeneDx
Classification: Pathogenic. Last evaluated: 2026-08-10. Review status: criteria provided, single submitter. Criteria: GeneDx Variant Classification Process June 2021. Collection method: clinical testing. Allele origin: germline.
Comment: Canonical splice site variant predicted to result in a null allele in a gene for which loss-of-function is a known mechanism of disease; Not observed at significant frequency in large population cohorts (gnomAD); This variant is associated with the following publications: (PMID: 34155636, 37324459, 32203204)

PreventionGenetics, part of Exact Sciences
Classification: Pathogenic for DCDC2-related condition. Last evaluated: 2025-04-21. Review status: criteria provided, single submitter. Criteria: ACMG Guidelines, 2015. Collection method: clinical testing. Allele origin: germline.
Comment: The DCDC2 c.294-2A>G variant is predicted to disrupt the AG splice acceptor site and interfere with normal splicing. The cholestasis in this infant was attributed to the ABCB11 variant and the elevated GGT and sclerosing cholangitis was attributed to the DCDC2 c.294-2A>G variant (Vogel et al. 2020. PubMed ID: 32203204). This variant has not been reported in a large population database (gnomAD), indicating this variant is rare. Variants that disrupt the consensus splice acceptor site in DCDC2 are expected to be pathogenic. This variant is interpreted as pathogenic.

Fulgent Genetics
Classification: Pathogenic for Autosomal recessive nonsyndromic hearing loss 66; Nephronophthisis 19; Isolated neonatal sclerosing cholangitis. Last evaluated: 2024-06-19. Review status: criteria provided, single submitter. Criteria: ACMG Guidelines, 2015. Collection method: clinical testing. Allele origin: germline.

Eurofins Ntd Llc (ga)
Classification: Pathogenic. Last evaluated: 2018-09-06. Review status: criteria provided, single submitter. Criteria: EGL ClinVar v180209 classification definitions. Collection method: clinical testing. Allele origin: germline. Observed: 2 variant alleles, 2 homozygotes.

NM_016356.5(DCDC2):c.294-2A>G

Gene: DCDC2 (doublecortin domain containing 2; minus strand). Cytogenetic location: 6p22.3.
Variant type: single nucleotide variant.
Coding change: c.294-2A>G on transcript NM_016356.5 (MANE Select); the canonical splice acceptor site of the intron before coding-DNA position 294, A replaced by G.
Molecular consequence: splice acceptor variant.
Genome position (GRCh38, 1-based): chr6:24,353,625, T>C on the plus strand (A>G on the coding strand, the complement: DCDC2 is on the minus strand). VCF-style: chr6-24353625-T-C. GRCh37 (hg19) VCF-style: chr6-24353853-T-C.
Other names: c.294-2A>G (NM_016356.4, NM_001195610.2).
Identifiers: ClinVar variation 502281 (VCV000502281.10), dbSNP rs1554121105, ClinGen allele CA363278507.
Genomic context (GRCh38, chr6:24,353,625, plus strand): 5'-TTACCTCTGTATTAACAACTTCCATTGGTCTTTTCTTGATTTCTCCTATGTCCAAGTAAC[T>C]GAGGAAAAAACAAACAAACAATAAGAGTTGCTTTTATAGACTTTAAGTCAGTAATTTATT-3'